The following is an entry in ClinVar:

ClinVar aggregate classification (germline): Conflicting classifications of pathogenicity. Review status: criteria provided, conflicting classifications (1 of 4 stars). 4 submissions from 4 submitters: Uncertain significance (2); Likely benign (1). 1 of the submissions does not count toward it. Last evaluated 2025-03-19.

Conditions:
Inborn genetic diseases. Identifiers: MedGen C0950123, MeSH D030342.
SIM1-related disorder. Also called: SIM1-related disorders; SIM1-related condition.

Allele frequency attached by ClinVar (database versions not stated): ExAC 0.00001; gnomAD 0.00001; gnomAD exomes 0.00001; TOPMed 0.00001; 1000 Genomes Project 30x 0.00016; 1000 Genomes Project 0.00020.
gnomAD v4.1: 8 of 1,614,156 alleles (0.0005%); highest among the groups gnomAD compares: East Asian, 0.016%; no homozygotes.

Submissions (4):

Ambry Genetics
Classification: Likely benign for Inborn genetic diseases. Last evaluated: 2025-03-19. Review status: criteria provided, single submitter. Criteria: Ambry Variant Classification Scheme 2023. Collection method: clinical testing. Allele origin: germline.

GeneDx
Classification: Uncertain significance. Last evaluated: 2022-12-17. Review status: criteria provided, single submitter. Criteria: GeneDx Variant Classification Process June 2021. Collection method: clinical testing. Allele origin: germline. Affected: yes.
Comment: Not observed at significant frequency in large population cohorts (gnomAD); In silico analysis supports that this missense variant does not alter protein structure/function; Has not been previously published as pathogenic or benign to our knowledge

Labcorp Genetics (formerly Invitae), Labcorp
Classification: Uncertain significance. Last evaluated: 2022-09-03. Review status: criteria provided, single submitter. Criteria: Invitae Variant Classification Sherloc (09022015). Collection method: clinical testing. Allele origin: germline.
Comment: In summary, the available evidence is currently insufficient to determine the role of this variant in disease. Therefore, it has been classified as a Variant of Uncertain Significance. Algorithms developed to predict the effect of missense changes on protein structure and function output the following: SIFT: "Tolerated"; PolyPhen-2: "Benign"; Align-GVGD: "Class C0". The serine amino acid residue is found in multiple mammalian species, which suggests that this missense change does not adversely affect protein function. This variant has not been reported in the literature in individuals affected with SIM1-related conditions. This variant is present in population databases (rs200323556, gnomAD 0.006%). This sequence change replaces glycine, which is neutral and non-polar, with serine, which is neutral and polar, at codon 621 of the SIM1 protein (p.Gly621Ser).

PreventionGenetics, part of Exact Sciences
Classification: Uncertain significance for SIM1-related condition. Last evaluated: 2023-12-30. Review status: no assertion criteria provided. Collection method: clinical testing. Allele origin: germline. Not counted in ClinVar's aggregate classification.
Comment: The SIM1 c.1861G>A variant is predicted to result in the amino acid substitution p.Gly621Ser. To our knowledge, this variant has not been reported in the literature. This variant is reported in 0.0033% of alleles in individuals of South Asian descent in gnomAD. At this time, the clinical significance of this variant is uncertain due to the absence of conclusive functional and genetic evidence.

NM_005068.3(SIM1):c.1861G>A (p.Gly621Ser)

Gene: SIM1 (SIM bHLH transcription factor 1; minus strand). Cytogenetic location: 6q16.3.
Variant type: single nucleotide variant.
Coding change: c.1861G>A on transcript NM_005068.3 (MANE Select); coding-DNA position 1861, G replaced by A.
Protein change: p.Gly621Ser; replaces glycine 621 with serine.
Molecular consequence: missense variant.
Genome position (GRCh38, 1-based): chr6:100,390,801, C>T on the plus strand (G>A on the coding strand, the complement: SIM1 is on the minus strand). VCF-style: chr6-100390801-C-T. GRCh37 (hg19) VCF-style: chr6-100838677-C-T.
Other names: c.1861G>A, p.Gly621Ser (NM_001374769.1); c.1861G>A (NM_005068.2); short protein forms G621S.
Identifiers: ClinVar variation 1972562 (VCV001972562.9), dbSNP rs200323556, ClinGen allele CA3936925.